The following is an entry in ClinVar:

NM_000553.6(WRN):c.3244_3245del (p.Val1082fs)

Gene: WRN (WRN RecQ like helicase; plus strand). Cytogenetic location: 8p12.
Variant type: Deletion.
Coding change: c.3244_3245del on transcript NM_000553.6 (MANE Select); coding-DNA positions 3244 to 3245, 2 bases deleted (GT; older notation c.3244_3245delGT).
Protein change: p.Val1082fs; shifts the reading frame from valine 1082.
Molecular consequence: frameshift variant.
Genome position (GRCh38, 1-based): chr8:31,142,636-31,142,637, GT deleted; deleting any 2 consecutive bases within chr8:31,142,635-31,142,637 gives the same sequence; the c. name uses the placement nearest the transcript's 3' end. VCF-style (leftmost placement, unchanged base first): chr8-31142634-CTG-C. GRCh37 (hg19) VCF-style: chr8-31000150-CTG-C.
Other names: short protein forms V1082fs.
Identifiers: ClinVar variation 1323773 (VCV001323773.10), dbSNP rs770947623, ClinGen allele CA174900973.

ClinVar aggregate classification (germline): Pathogenic. Review status: criteria provided, multiple submitters, no conflicts (2 of 4 stars). 3 submissions from 3 submitters: Pathogenic (3). Last evaluated 2025-10-21.

Conditions:
Werner syndrome (WRN). Identifiers: Orphanet 902, MedGen C0043119, MONDO:0010196, OMIM 277700.

Submissions (3):

Labcorp Genetics (formerly Invitae), Labcorp
Classification: Pathogenic for Werner syndrome. Last evaluated: 2025-10-21. Review status: criteria provided, single submitter. Criteria: Invitae Variant Classification Sherloc (09022015). Collection method: clinical testing. Allele origin: germline.
Comment: This sequence change creates a premature translational stop signal (p.Val1082Ilefs*10) in the WRN gene. It is expected to result in an absent or disrupted protein product. Loss-of-function variants in WRN are known to be pathogenic (PMID: 16673358). This variant is present in population databases (rs770947623, gnomAD 0.006%). This premature translational stop signal has been observed in individual(s) with Werner syndrome (PMID: 16786514). ClinVar contains an entry for this variant (Variation ID: 1323773). For these reasons, this variant has been classified as Pathogenic.

Fulgent Genetics
Classification: Pathogenic for Werner syndrome. Last evaluated: 2024-06-05. Review status: criteria provided, single submitter. Criteria: ACMG Guidelines, 2015. Collection method: clinical testing. Allele origin: germline.

Revvity Omics, Revvity
Classification: Pathogenic for Werner syndrome. Last evaluated: 2019-11-19. Review status: criteria provided, single submitter. Criteria: ACMG Guidelines, 2015. Collection method: clinical testing. Allele origin: germline.

Literature cited by the submitters: PubMed 16673358 (cited by Labcorp Genetics (formerly Invitae), Labcorp); PubMed 16786514 (cited by Labcorp Genetics (formerly Invitae), Labcorp).